The following is an entry in ClinVar:

ClinVar aggregate classification (germline): Uncertain significance. Review status: criteria provided, multiple submitters, no conflicts (2 of 4 stars). 4 submissions from 4 submitters: Uncertain significance (3). 1 of the submissions does not count toward it. Last evaluated 2024-02-17.

Conditions:
Action myoclonus-renal failure syndrome. Also called: SCARB2-Related Action Myoclonus-Renal Failure Syndrome; MYOCLONUS-NEPHROPATHY SYNDROME; EPILEPSY, PROGRESSIVE MYOCLONIC, 4, WITH RENAL FAILURE; EPILEPSY, PROGRESSIVE MYOCLONIC, 4, WITHOUT RENAL FAILURE. Identifiers: Orphanet 163696, MedGen C0751779, MeSH D020191, MONDO:0009699, OMIM 254900.
Progressive myoclonic epilepsy. Also called: Familial progressive myoclonic epilepsy; Myoclonic Epilepsies, Progressive; Progressive myoclonus epilepsy; Myoclonus epilepsy. Identifiers: Orphanet 308, Orphanet 98261, MedGen C0751778, MONDO:0020074.

Allele frequency attached by ClinVar (database versions not stated): ExAC 0.00001; gnomAD 0.00001; gnomAD exomes 0.00001; TOPMed 0.00001.
gnomAD v4.1: 14 of 1,592,294 alleles (0.00088%); highest among the groups gnomAD compares: Non-Finnish European, 0.0012%; no homozygotes.

Submissions (4):

Labcorp Genetics (formerly Invitae), Labcorp
Classification: Uncertain significance for Progressive myoclonic epilepsy. Last evaluated: 2024-02-17. Review status: criteria provided, single submitter. Criteria: Invitae Variant Classification Sherloc (09022015). Collection method: clinical testing. Allele origin: germline.
Comment: This sequence change falls in intron 5 of the SCARB2 gene. It does not directly change the encoded amino acid sequence of the SCARB2 protein. It affects a nucleotide within the consensus splice site. This variant is present in population databases (rs774271963, gnomAD 0.002%). This variant has been observed in individual(s) with action myoclonus-renal failure syndrome (PMID: 23515316). In at least one individual the data is consistent with being in trans (on the opposite chromosome) from a pathogenic variant. ClinVar contains an entry for this variant (Variation ID: 268141). Variants that disrupt the consensus splice site are a relatively common cause of aberrant splicing (PMID: 17576681, 9536098). Algorithms developed to predict the effect of sequence changes on RNA splicing suggest that this variant may disrupt the consensus splice site. In summary, the available evidence is currently insufficient to determine the role of this variant in disease. Therefore, it has been classified as a Variant of Uncertain Significance.

ARUP Laboratories, Molecular Genetics and Genomics, ARUP Laboratories
Classification: Uncertain significance for Action myoclonus-renal failure syndrome. Last evaluated: 2021-11-30. Review status: criteria provided, single submitter. Criteria: ARUP Molecular Germline Variant Investigation Process 2021. Collection method: clinical testing. Allele origin: germline.

GeneDx
Classification: Uncertain significance. Last evaluated: 2020-11-11. Review status: criteria provided, single submitter. Criteria: GeneDx Variant Classification Process June 2021. Collection method: clinical testing. Allele origin: germline. Affected: yes.
Comment: Not observed at a significant frequency in large population cohorts (Lek et al., 2016); In silico analysis, which includes splice predictors and evolutionary conservation, suggests this variant may impact gene splicing. In the absence of RNA/functional studies, the actual effect of this sequence change is unknown.; This variant is associated with the following publications: (PMID: 23515316)

GeneReviews
No classification provided. Condition: Action myoclonus-renal failure syndrome. Review status: no classification provided. Collection method: literature only. Allele origin: germline. Affected: yes. Not counted in ClinVar's aggregate classification.

Literature cited by the submitters: PubMed 23515316 (cited by Labcorp Genetics (formerly Invitae), Labcorp); PubMed 17576681 (cited by Labcorp Genetics (formerly Invitae), Labcorp); PubMed 9536098 (cited by Labcorp Genetics (formerly Invitae), Labcorp); PubMed 19847901 (cited by GeneReviews); NCBI Bookshelf NBK333437 (cited by GeneReviews).

NM_005506.4(SCARB2):c.704+5G>A

Gene: SCARB2 (scavenger receptor class B member 2; minus strand). Cytogenetic location: 4q21.1.
Variant type: single nucleotide variant.
Coding change: c.704+5G>A on transcript NM_005506.4 (MANE Select); 5 bases into the intron after coding-DNA position 704, G replaced by A.
Molecular consequence: intron variant.
Genome position (GRCh38, 1-based): chr4:76,176,432, C>T on the plus strand (G>A on the coding strand, the complement: SCARB2 is on the minus strand). VCF-style: chr4-76176432-C-T. GRCh37 (hg19) VCF-style: chr4-77097585-C-T.
Other names: c.276-522G>A (NM_001204255.2).
Identifiers: ClinVar variation 268141 (VCV000268141.18), dbSNP rs774271963, ClinGen allele CA2970288.